The following is an entry in ClinVar:

NM_005560.6(LAMA5):c.10203C>G (p.Phe3401Leu)

Gene: LAMA5 (laminin subunit alpha 5; minus strand). Cytogenetic location: 20q13.33.
Variant type: single nucleotide variant.
Coding change: c.10203C>G on transcript NM_005560.6 (MANE Select); coding-DNA position 10203, C replaced by G.
Protein change: p.Phe3401Leu; replaces phenylalanine 3401 with leucine.
Molecular consequence: missense variant.
Genome position (GRCh38, 1-based): chr20:62,310,980, G>C on the plus strand (C>G on the coding strand, the complement: LAMA5 is on the minus strand). VCF-style: chr20-62310980-G-C. GRCh37 (hg19) VCF-style: chr20-60886036-G-C.
Other names: short protein forms F3401L.
Identifiers: ClinVar variation 1995456 (VCV001995456.4), dbSNP rs757890325, ClinGen allele CA409538008.
Genomic context (GRCh38, chr20:62,310,980, plus strand): 5'-CCGGGAGCGCTGGCGGCTCTGGGCGCGGAGCCGAGTCCCGAGGCCTTCCATCTGTGCAAC[G>C]AAGTGGCCATTGCTCAGGAAGAGCGCCAGGGAGGGGCTGCCGGGCCTCAGACGGGCAGTG-3'
Protein context (NP_005551.3, residues 3391-3411): SLALFLSNGH[Phe3401Leu]VAQMEGLGTR

ClinVar aggregate classification (germline): Uncertain significance (1 of 4 stars; one submission).

Submission:

Labcorp Genetics (formerly Invitae), Labcorp
Classification: Uncertain significance. Last evaluated: 2022-05-31. Review status: criteria provided, single submitter. Criteria: Invitae Variant Classification Sherloc (09022015). Collection method: clinical testing. Allele origin: germline.
Comment: This sequence change replaces phenylalanine, which is neutral and non-polar, with leucine, which is neutral and non-polar, at codon 3401 of the LAMA5 protein (p.Phe3401Leu). This variant is not present in population databases (gnomAD no frequency). This variant has not been reported in the literature in individuals affected with LAMA5-related conditions. Algorithms developed to predict the effect of missense changes on protein structure and function output the following: SIFT: "Tolerated"; PolyPhen-2: "Possibly Damaging"; Align-GVGD: "Class C0". The leucine amino acid residue is found in multiple mammalian species, which suggests that this missense change does not adversely affect protein function. In summary, the available evidence is currently insufficient to determine the role of this variant in disease. Therefore, it has been classified as a Variant of Uncertain Significance.